The following is an entry in ClinVar:

ClinVar aggregate classification (germline): Uncertain significance (1 of 4 stars; one submission).

Conditions:
Brugada syndrome 8 (BRGDA8). Identifiers: Orphanet 130, MedGen C2751083, MONDO:0013148, OMIM 613123.

Allele frequency attached by ClinVar (database versions not stated): gnomAD exomes below 0.00001.
gnomAD v4.1: 2 of 1,511,022 alleles (0.00013%); highest among the groups gnomAD compares: Non-Finnish European, 0.00018%; no homozygotes.

Submission:

Labcorp Genetics (formerly Invitae), Labcorp
Classification: Uncertain significance for Brugada syndrome 8. Last evaluated: 2021-10-14. Review status: criteria provided, single submitter. Criteria: Invitae Variant Classification Sherloc (09022015). Collection method: clinical testing. Allele origin: germline.
Comment: This sequence change replaces leucine with phenylalanine at codon 1083 of the HCN4 protein (p.Leu1083Phe). The leucine residue is highly conserved and there is a small physicochemical difference between leucine and phenylalanine. The frequency data for this variant in the population databases is considered unreliable, as metrics indicate insufficient coverage at this position in the ExAC database. This variant has not been reported in the literature in individuals affected with HCN4-related conditions. Advanced modeling of protein sequence and biophysical properties (such as structural, functional, and spatial information, amino acid conservation, physicochemical variation, residue mobility, and thermodynamic stability) performed at Invitae indicates that this missense variant is not expected to disrupt HCN4 protein function. In summary, the available evidence is currently insufficient to determine the role of this variant in disease. Therefore, it has been classified as a Variant of Uncertain Significance.

NM_005477.3(HCN4):c.3247C>T (p.Leu1083Phe)

Gene: HCN4 (hyperpolarization activated cyclic nucleotide gated potassium channel 4; minus strand). Cytogenetic location: 15q24.1.
Variant type: single nucleotide variant.
Coding change: c.3247C>T on transcript NM_005477.3 (MANE Select); coding-DNA position 3247, C replaced by T.
Protein change: p.Leu1083Phe; replaces leucine 1083 with phenylalanine.
Molecular consequence: missense variant.
Genome position (GRCh38, 1-based): chr15:73,322,846, G>A on the plus strand (C>T on the coding strand, the complement: HCN4 is on the minus strand). VCF-style: chr15-73322846-G-A. GRCh37 (hg19) VCF-style: chr15-73615187-G-A.
Other names: short protein forms L1083F.
Identifiers: ClinVar variation 1386917 (VCV001386917.3), dbSNP rs1474106451, ClinGen allele CA393085936.